The following is an entry in ClinVar:

ClinVar aggregate classification (germline): Likely benign (1 of 4 stars; one submission).

Allele frequency attached by ClinVar (database versions not stated): gnomAD exomes 0.00005; ExAC 0.00015; ESP Exome Variant Server 0.00038; gnomAD 0.00041; TOPMed 0.00045; 1000 Genomes Project 0.00100; 1000 Genomes Project 30x 0.00109.

Submission:

CeGaT Center for Human Genetics Tuebingen
Classification: Likely benign. Last evaluated: 2022-09-01. Review status: criteria provided, single submitter. Criteria: CeGaT Center For Human Genetics Tuebingen Variant Classification Criteria Version 2. Collection method: clinical testing. Allele origin: germline. Affected: yes. Observed: 1 variant allele.
Comment: CLMN: BP4, BP7

NM_024734.4(CLMN):c.117A>G (p.Thr39=)

Gene: CLMN (calmin; minus strand). Cytogenetic location: 14q32.13.
Variant type: single nucleotide variant.
Coding change: c.117A>G on transcript NM_024734.4 (MANE Select); coding-DNA position 117, A replaced by G.
Protein change: p.Thr39=; no amino-acid change (threonine 39 retained).
Molecular consequence: synonymous variant.
Genome position (GRCh38, 1-based): chr14:95,230,099, T>C on the plus strand (A>G on the coding strand, the complement: CLMN is on the minus strand). VCF-style: chr14-95230099-T-C. GRCh37 (hg19) VCF-style: chr14-95696436-T-C.
Identifiers: ClinVar variation 2644496 (VCV002644496.24), dbSNP rs116124564, ClinGen allele CA7332603.